The following is an entry in ClinVar:

ClinVar aggregate classification (germline): Uncertain significance (1 of 4 stars; one submission).

Submission:

GeneDx
Classification: Uncertain significance. Last evaluated: 2024-02-27. Review status: criteria provided, single submitter. Criteria: GeneDx Variant Classification Process June 2021. Collection method: clinical testing. Allele origin: germline. Affected: yes.
Comment: Not observed at significant frequency in large population cohorts (gnomAD); In silico analysis supports that this missense variant does not alter protein structure/function; Has not been previously published as pathogenic or benign to our knowledge

NM_001039591.3(USP9X):c.3481G>A (p.Ala1161Thr)

Gene: USP9X (ubiquitin specific peptidase 9 X-linked; plus strand). Cytogenetic location: Xp11.4.
Variant type: single nucleotide variant.
Coding change: c.3481G>A on transcript NM_001039591.3 (MANE Select); coding-DNA position 3481, G replaced by A.
Protein change: p.Ala1161Thr; replaces alanine 1161 with threonine.
Molecular consequence: missense variant.
Genome position (GRCh38, 1-based): chrX:41,184,598, G>A. VCF-style: chrX-41184598-G-A. GRCh37 (hg19) VCF-style: chrX-41043851-G-A.
Other names: c.3481G>A, p.Ala1161Thr (NM_001039590.3); c.3496G>A, p.Ala1166Thr (NM_001410748.1, NM_001410749.1); short protein forms A1161T, A1166T.
Identifiers: ClinVar variation 3369725 (VCV003369725.1).